The following is an entry in ClinVar:

ClinVar aggregate classification (germline): Likely benign. Review status: criteria provided, multiple submitters, no conflicts (2 of 4 stars). 6 submissions from 6 submitters: Likely benign (5). 1 of the submissions does not count toward it. Last evaluated 2024-04-25.

Conditions:
RYR2-related disorder. Also called: RYR2-related condition.
Cardiomyopathy (CMYO). Also called: Cardiomyopathies. Identifiers: Orphanet 167848, MedGen C0878544, MONDO:0004994, HP:0001638. Inheritance: Various modes of inheritance.
Catecholaminergic polymorphic ventricular tachycardia (CVPT). Also called: Catecholamine-induced polymorphic ventricular tachycardia. Identifiers: Orphanet 3286, MedGen C5574922, MONDO:0017990.
Cardiovascular phenotype. Identifiers: MedGen CN230736.
Catecholaminergic polymorphic ventricular tachycardia 1. Also called: VENTRICULAR TACHYCARDIA, CATECHOLAMINERGIC POLYMORPHIC, 1, WITH OR WITHOUT ATRIAL DYSFUNCTION AND/OR DILATED CARDIOMYOPATHY; VENTRICULAR TACHYCARDIA, STRESS-INDUCED POLYMORPHIC 1; RYR2-Related Catecholaminergic Polymorphic Ventricular Tachycardia. Identifiers: Orphanet 3286, MedGen C1631597, MONDO:0011484, OMIM 604772.

Allele frequency attached by ClinVar (database versions not stated): gnomAD exomes 0.00001; TOPMed 0.00001; ExAC 0.00001; gnomAD 0.00001.
gnomAD v4.1: 23 of 1,613,640 alleles (0.0014%); highest among the groups gnomAD compares: Non-Finnish European, 0.0019%; no homozygotes.

Submissions (6):

Labcorp Genetics (formerly Invitae), Labcorp
Classification: Likely benign for Catecholaminergic polymorphic ventricular tachycardia 1. Last evaluated: 2024-04-25. Review status: criteria provided, single submitter. Criteria: Invitae Variant Classification Sherloc (09022015). Collection method: clinical testing. Allele origin: germline.

All of Us Research Program, National Institutes of Health
Classification: Likely benign for Catecholaminergic polymorphic ventricular tachycardia. Last evaluated: 2023-12-13. Review status: criteria provided, single submitter. Criteria: ACMG Guidelines, 2015. Collection method: clinical testing. Allele origin: germline. Inheritance: Autosomal dominant inheritance. Observed: 2 variant alleles, 2 heterozygotes.
Comment: This study involves interpretation of variants in research participants for the purpose of population health screening. Participant phenotype was not available at the time of variant classification. Additional details can be found in publication PMID: 35346344, PMCID: PMC8962531

Color Diagnostics, LLC DBA Color Health
Classification: Likely benign for Cardiomyopathy. Last evaluated: 2020-10-19. Review status: criteria provided, single submitter. Criteria: ACMG Guidelines, 2015. Collection method: clinical testing. Allele origin: germline.

Ambry Genetics
Classification: Likely benign for Cardiovascular phenotype. Last evaluated: 2019-08-13. Review status: criteria provided, single submitter. Criteria: Ambry Variant Classification Scheme 2023. Collection method: clinical testing. Allele origin: germline.

Women's Health and Genetics/Laboratory Corporation of America, LabCorp
Classification: Likely benign. Last evaluated: 2019-08-09. Review status: criteria provided, single submitter. Criteria: LabCorp Variant Classification Summary - May 2015. Collection method: clinical testing. Allele origin: germline.

PreventionGenetics, part of Exact Sciences
Classification: Likely benign for RYR2-related condition. Last evaluated: 2020-01-23. Review status: no assertion criteria provided. Collection method: clinical testing. Allele origin: germline. Not counted in ClinVar's aggregate classification.
Comment: This variant is classified as likely benign based on ACMG/AMP sequence variant interpretation guidelines (Richards et al. 2015 PMID: 25741868, with internal and published modifications).

NM_001035.3(RYR2):c.4215C>T (p.Leu1405=)

Gene: RYR2 (ryanodine receptor 2; plus strand). Cytogenetic location: 1q43.
Variant type: single nucleotide variant.
Coding change: c.4215C>T on transcript NM_001035.3 (MANE Select); coding-DNA position 4215, C replaced by T.
Protein change: p.Leu1405=; no amino-acid change (leucine 1405 retained).
Molecular consequence: synonymous variant.
Genome position (GRCh38, 1-based): chr1:237,591,793, C>T. VCF-style: chr1-237591793-C-T. GRCh37 (hg19) VCF-style: chr1-237755093-C-T.
Identifiers: ClinVar variation 928873 (VCV000928873.16), dbSNP rs754504287, ClinGen allele CA086564.
Genomic context (GRCh38, chr1:237,591,793, plus strand): 5'-TTTCAGATTTTTGCTTAGAAGAACAAAGCCAGATTACAGCACAAGCCATTCTGCAAGACT[C>T]ACCGAAGATGTCCTTGCTGATGATCGGGATGACTATGATTTCTTGATGCAAACGTCCACG-3'
Protein context (NP_001026.2, residues 1395-1415): PDYSTSHSAR[Leu1405=]TEDVLADDRD